The following is an entry in ClinVar:

NM_000051.4(ATM):c.6190A>G (p.Ile2064Val)

Genes: ATM (ATM serine/threonine kinase; plus strand), C11orf65 (chromosome 11 open reading frame 65; minus strand). Cytogenetic location: 11q22.3.
Variant type: single nucleotide variant.
Coding change: c.6190A>G on transcript NM_000051.4 (MANE Select); coding-DNA position 6190, A replaced by G.
Protein change: p.Ile2064Val; replaces isoleucine 2064 with valine.
Molecular consequence: missense variant. On other transcripts: intron variant (2).
Genome position (GRCh38, 1-based): chr11:108,316,105, A>G. VCF-style: chr11-108316105-A-G. GRCh37 (hg19) VCF-style: chr11-108186832-A-G.
Other names: c.6190A>G, p.Ile2064Val (NM_001351834.2); c.641-7034T>C (NM_001330368.2); c.*39-7034T>C (NM_001351110.2); short protein forms I2064V.
Identifiers: ClinVar variation 3451546 (VCV003451546.1).

ClinVar aggregate classification (germline): Uncertain significance (1 of 4 stars; one submission).

Conditions:
Hereditary cancer-predisposing syndrome. Also called: Tumor predisposition; Hereditary Cancer Syndrome; Neoplastic Syndromes, Hereditary; Hereditary neoplastic syndrome. Identifiers: Orphanet 140162, MedGen C0027672, MeSH D009386, MONDO:0015356.

Submission:

Ambry Genetics
Classification: Uncertain significance for Hereditary cancer-predisposing syndrome. Last evaluated: 2024-09-27. Review status: criteria provided, single submitter. Criteria: Ambry Variant Classification Scheme 2023. Collection method: clinical testing. Allele origin: germline.
Comment: The p.I2064V variant (also known as c.6190A>G), located in coding exon 41 of the ATM gene, results from an A to G substitution at nucleotide position 6190. The isoleucine at codon 2064 is replaced by valine, an amino acid with highly similar properties. This amino acid position is conserved. In addition, this alteration is predicted to be tolerated by in silico analysis. Based on the available evidence, the clinical significance of this variant remains unclear.